The following is an entry in ClinVar:

ClinVar aggregate classification (germline): Benign/Likely benign. Review status: criteria provided, multiple submitters, no conflicts (2 of 4 stars). 2 submissions from 2 submitters: Benign (1); Likely benign (1). Last evaluated 2026-01-01.

Conditions:
Rubinstein-Taybi syndrome (RSTS). Identifiers: Orphanet 783, MedGen C0035934, MONDO:0019188.
CREBBP-related disorder. Also called: CREBBP-related condition; CREBBP-related disorders.

Allele frequency attached by ClinVar (database versions not stated): gnomAD exomes below 0.00001; gnomAD 0.00005; TOPMed 0.00008.
gnomAD v4.1: 14 of 1,610,198 alleles (0.00087%); highest among the groups gnomAD compares: African/African-American, 0.011%; no homozygotes.

Submissions (2):

Labcorp Genetics (formerly Invitae), Labcorp
Classification: Benign for Rubinstein-Taybi syndrome. Last evaluated: 2026-01-01. Review status: criteria provided, single submitter. Criteria: Invitae Variant Classification Sherloc (09022015). Collection method: clinical testing. Allele origin: germline.

PreventionGenetics, part of Exact Sciences
Classification: Likely benign for CREBBP-related condition. Last evaluated: 2025-04-16. Review status: criteria provided, single submitter. Criteria: ACMG Guidelines, 2015. Collection method: clinical testing. Allele origin: germline.
Comment: This variant is classified as likely benign based on ACMG/AMP sequence variant interpretation guidelines (Richards et al. 2015 PMID: 25741868, with internal and published modifications).

NM_004380.3(CREBBP):c.7126G>A (p.Val2376Ile)

Gene: CREBBP (CREB binding lysine acetyltransferase; minus strand). Cytogenetic location: 16p13.3.
Variant type: single nucleotide variant.
Coding change: c.7126G>A on transcript NM_004380.3 (MANE Select); coding-DNA position 7126, G replaced by A.
Protein change: p.Val2376Ile; replaces valine 2376 with isoleucine.
Molecular consequence: missense variant.
Genome position (GRCh38, 1-based): chr16:3,727,921, C>T on the plus strand (G>A on the coding strand, the complement: CREBBP is on the minus strand). VCF-style: chr16-3727921-C-T. GRCh37 (hg19) VCF-style: chr16-3777922-C-T.
Other names: c.7012G>A, p.Val2338Ile (NM_001079846.1); short protein forms V2338I, V2376I.
Identifiers: ClinVar variation 3032053 (VCV003032053.5), dbSNP rs866600000, ClinGen allele CA276971085.